The following is an entry in ClinVar:

NM_000540.3(RYR1):c.13514+65C>T

Gene: RYR1 (ryanodine receptor 1; plus strand). Cytogenetic location: 19q13.2.
Variant type: single nucleotide variant.
Coding change: c.13514+65C>T on transcript NM_000540.3 (MANE Select); 65 bases into the intron after coding-DNA position 13514, C replaced by T.
Molecular consequence: intron variant.
Genome position (GRCh38, 1-based): chr19:38,567,052, C>T. VCF-style: chr19-38567052-C-T. GRCh37 (hg19) VCF-style: chr19-39057692-C-T.
Other names: c.13499+65C>T (NM_001042723.2).
Identifiers: ClinVar variation 683921 (VCV000683921.2), dbSNP rs138124315, ClinGen allele CA308110647.

ClinVar aggregate classification (germline): Likely benign. Review status: criteria provided, multiple submitters, no conflicts (2 of 4 stars). 2 submissions from 2 submitters: Likely benign (2). Last evaluated 2018-06-19.

Allele frequency attached by ClinVar (database versions not stated): gnomAD 0.00459 and 0.00439; TOPMed 0.00490; 1000 Genomes Project 30x 0.00578; 1000 Genomes Project 0.00579; gnomAD exomes 0.00076.
gnomAD v4.1: 1,797 of 1,547,674 alleles (0.12%); highest among the groups gnomAD compares: African/African-American, 1.3%; 6 homozygotes.

Submissions (2):

GeneDx
Classification: Likely benign. Last evaluated: 2018-06-19. Review status: criteria provided, single submitter. Criteria: GeneDx Variant Classification (06012015). Collection method: clinical testing. Allele origin: germline. Affected: yes.
Comment: This variant is considered likely benign or benign based on one or more of the following criteria: it is a conservative change, it occurs at a poorly conserved position in the protein, it is predicted to be benign by multiple in silico algorithms, and/or has population frequency not consistent with disease.

Breakthrough Genomics
Classification: Likely benign. Review status: criteria provided, single submitter. Criteria: ACMG Guidelines, 2015. Collection method: not provided. Allele origin: germline. Inheritance: Autosomal recessive inheritance. Affected: yes.